The following is an entry in ClinVar:

ClinVar aggregate classification (germline): Uncertain significance (1 of 4 stars; one submission).

Conditions:
Hereditary cancer-predisposing syndrome. Also called: Neoplastic Syndromes, Hereditary; Tumor predisposition; Hereditary neoplastic syndrome; Hereditary Cancer Syndrome. Identifiers: Orphanet 140162, MedGen C0027672, MeSH D009386, MONDO:0015356.

gnomAD v4.1: 1 of 1,613,878 alleles (0.000062%); highest among the groups gnomAD compares: South Asian, 0.0011%; no homozygotes.

Submission:

Ambry Genetics
Classification: Uncertain significance for Hereditary cancer-predisposing syndrome. Last evaluated: 2026-07-07. Review status: criteria provided, single submitter. Criteria: Ambry Variant Classification Scheme 2023. Collection method: clinical testing. Allele origin: germline.
Comment: The p.S788N variant (also known as c.2363G>A), located in coding exon 23 of the RB1 gene, results from a G to A substitution at nucleotide position 2363. The serine at codon 788 is replaced by asparagine, an amino acid with highly similar properties. This amino acid position is conserved. In addition, this alteration is predicted to be tolerated by in silico analysis. Based on the available evidence, the clinical significance of this variant remains unclear.

NM_000321.3(RB1):c.2363G>A (p.Ser788Asn)

Gene: RB1 (RB transcriptional corepressor 1; plus strand). Cytogenetic location: 13q14.2.
Variant type: single nucleotide variant.
Coding change: c.2363G>A on transcript NM_000321.3 (MANE Select); coding-DNA position 2363, G replaced by A.
Protein change: p.Ser788Asn; replaces serine 788 with asparagine.
Molecular consequence: missense variant.
Genome position (GRCh38, 1-based): chr13:48,465,242, G>A. VCF-style: chr13-48465242-G-A. GRCh37 (hg19) VCF-style: chr13-49039378-G-A.
Other names: c.2363G>A, p.Ser788Asn (NM_001407165.1); short protein forms S788N.
Identifiers: ClinVar variation 5027951 (VCV005027951.1).